The following is an entry in ClinVar:

NM_005228.5(EGFR):c.2464G>C (p.Ala822Pro)

Genes: EGFR (epidermal growth factor receptor; plus strand), EGFR-AS1 (EGFR antisense RNA 1; minus strand). Cytogenetic location: 7p11.2.
Variant type: single nucleotide variant.
Coding change: c.2464G>C on transcript NM_005228.5 (MANE Select); coding-DNA position 2464, G replaced by C.
Protein change: p.Ala822Pro; replaces alanine 822 with proline.
Molecular consequence: missense variant. On other transcripts: non-coding transcript variant (1).
Genome position (GRCh38, 1-based): chr7:55,181,473, G>C. VCF-style: chr7-55181473-G-C. GRCh37 (hg19) VCF-style: chr7-55249166-G-C.
Other names: c.2329G>C, p.Ala777Pro (NM_001346897.2, NM_001346899.2); c.2464G>C, p.Ala822Pro (NM_001346898.2); c.2305G>C, p.Ala769Pro (NM_001346900.2); c.1663G>C, p.Ala555Pro (NM_001346941.2); short protein forms A769P, A777P, A555P, A822P.
Identifiers: ClinVar variation 2820356 (VCV002820356.3), dbSNP rs397517125, ClinGen allele CA367579064.

ClinVar aggregate classification (germline): Uncertain significance (1 of 4 stars; one submission).

Conditions:
EGFR-related lung cancer (EGFR). Identifiers: MedGen CN130014.

Submission:

Labcorp Genetics (formerly Invitae), Labcorp
Classification: Uncertain significance for EGFR-related lung cancer. Last evaluated: 2022-12-12. Review status: criteria provided, single submitter. Criteria: Invitae Variant Classification Sherloc (09022015). Collection method: clinical testing. Allele origin: germline.
Comment: This variant has not been reported in the literature in individuals affected with EGFR-related conditions. This variant is not present in population databases (gnomAD no frequency). This sequence change replaces alanine, which is neutral and non-polar, with proline, which is neutral and non-polar, at codon 822 of the EGFR protein (p.Ala822Pro). Advanced modeling of protein sequence and biophysical properties (such as structural, functional, and spatial information, amino acid conservation, physicochemical variation, residue mobility, and thermodynamic stability) performed at Invitae indicates that this missense variant is expected to disrupt EGFR protein function. In summary, the available evidence is currently insufficient to determine the role of this variant in disease. Therefore, it has been classified as a Variant of Uncertain Significance.